The following is an entry in ClinVar:

NM_004656.4(BAP1):c.458_459del (p.Pro153fs)

Gene: BAP1 (BRCA1 associated deubiquitinase 1; minus strand). Cytogenetic location: 3p21.1.
Variant type: Deletion.
Coding change: c.458_459del on transcript NM_004656.4 (MANE Select); coding-DNA positions 458 to 459, 2 bases deleted (CT; older notation c.458_459delCT).
Protein change: p.Pro153fs; shifts the reading frame from proline 153.
Molecular consequence: frameshift variant.
Genome position (GRCh38, 1-based): chr3:52,407,295-52,407,296, AG deleted on the plus strand (CT on the coding strand, the reverse complement: BAP1 is on the minus strand). VCF-style (leftmost placement, unchanged base first): chr3-52407294-CAG-C. GRCh37 (hg19) VCF-style: chr3-52441310-CAG-C.
Other names: short protein forms P153fs.
Identifiers: ClinVar variation 628120 (VCV000628120.48), dbSNP rs1559590613, ClinGen allele CA645529982.

ClinVar aggregate classification (germline): Pathogenic/Likely pathogenic. Review status: criteria provided, multiple submitters, no conflicts (2 of 4 stars). 8 submissions from 8 submitters: Pathogenic (7); Likely pathogenic (1). Last evaluated 2025-11-02.

Conditions:
BAP1-related tumor predisposition syndrome (TPDS1). Also called: COMMON Syndrome; Tumor susceptibility linked to germline BAP1 mutations; BAP1 tumor predisposition syndrome; TUMOR PREDISPOSITION SYNDROME 1. Identifiers: Orphanet 289539, MedGen C3280492, MONDO:0013692, OMIM 614327.
Hereditary cancer-predisposing syndrome. Also called: Hereditary Cancer Syndrome; Tumor predisposition; Hereditary neoplastic syndrome; Neoplastic Syndromes, Hereditary. Identifiers: Orphanet 140162, MedGen C0027672, MeSH D009386, MONDO:0015356.

Submissions (8):

Labcorp Genetics (formerly Invitae), Labcorp
Classification: Pathogenic for BAP1-related tumor predisposition syndrome. Last evaluated: 2025-11-02. Review status: criteria provided, single submitter. Criteria: Invitae Variant Classification Sherloc (09022015). Collection method: clinical testing. Allele origin: germline.
Comment: This sequence change creates a premature translational stop signal (p.Pro153Argfs*7) in the BAP1 gene. It is expected to result in an absent or disrupted protein product. Loss-of-function variants in BAP1 are known to be pathogenic (PMID: 21874000, 23684012). This variant is not present in population databases (gnomAD no frequency). This premature translational stop signal has been observed in individual(s) with uveal melanoma (PMID: 27718540, 30477459). ClinVar contains an entry for this variant (Variation ID: 628120). For these reasons, this variant has been classified as Pathogenic.

Ambry Genetics
Classification: Pathogenic for Hereditary cancer-predisposing syndrome. Last evaluated: 2025-04-28. Review status: criteria provided, single submitter. Criteria: Ambry Variant Classification Scheme 2023. Collection method: clinical testing. Allele origin: germline.
Comment: The c.458_459delCT pathogenic mutation, located in coding exon 7 of the BAP1 gene, results from a deletion of two nucleotides at nucleotide positions 458 to 459, causing a translational frameshift with a predicted alternate stop codon (p.P153Rfs*7). This mutation has been reported in multiple individuals with uveal melanoma (Rai K et al. Genes Chromosomes Cancer, 2017 02;56:168-174; Walpole S et al. J Natl Cancer Inst, 2018 12;110:1328-1341; Boru G et al. Genes Chromosomes Cancer, 2019 09;58:650-656). This variant is considered to be rare based on population cohorts in the Genome Aggregation Database (gnomAD). In addition to the clinical data presented in the literature, this alteration is expected to result in loss of function by premature protein truncation or nonsense-mediated mRNA decay. As such, this alteration is interpreted as a disease-causing mutation.

Myriad Genetics, Inc.
Classification: Pathogenic for BAP1-related tumor predisposition syndrome. Last evaluated: 2024-10-22. Review status: criteria provided, single submitter. Criteria: Myriad Autosomal Dominant, Autosomal Recessive and X-Linked Classification Criteria (2023). Collection method: clinical testing. Allele origin: unknown.
Comment: This variant is considered pathogenic. This variant creates a frameshift predicted to result in premature protein truncation.

Quest Diagnostics Nichols Institute San Juan Capistrano
Classification: Pathogenic. Last evaluated: 2024-10-11. Review status: criteria provided, single submitter. Criteria: Quest Diagnostics criteria. Collection method: clinical testing. Allele origin: unknown.
Comment: The BAP1 c.458_459del (p.Pro153Argfs*7) variant alters the translational reading frame of the BAP1 mRNA and causes the premature termination of BAP1 protein synthesis. This variant has been reported in the published literature in individuals with uveal melanoma (PMID: 27718540 (2017), 30477459 (2018), 30517737 (2018), 30883995 (2019)). This variant has not been reported in large, multi-ethnic general populations (Genome Aggregation Database). Based on the available information, this variant is classified as pathogenic.

GeneDx
Classification: Pathogenic. Last evaluated: 2023-07-28. Review status: criteria provided, single submitter. Criteria: GeneDx Variant Classification Process June 2021. Collection method: clinical testing. Allele origin: germline. Affected: yes.
Comment: Frameshift variant predicted to result in protein truncation or nonsense mediated decay in a gene for which loss-of-function is a known mechanism of disease; Not observed in large population cohorts (gnomAD); This variant is associated with the following publications: (PMID: 26748926, 30477459, 27718540, 30883995, 30517737)

CeGaT Center for Human Genetics Tuebingen
Classification: Pathogenic. Last evaluated: 2022-11-01. Review status: criteria provided, single submitter. Criteria: CeGaT Center For Human Genetics Tuebingen Variant Classification Criteria Version 2. Collection method: clinical testing. Allele origin: germline. Affected: yes. Observed: 1 variant allele.
Comment: BAP1: PVS1, PM2

Color Diagnostics, LLC DBA Color Health
Classification: Pathogenic for Hereditary cancer-predisposing syndrome. Last evaluated: 2020-04-21. Review status: criteria provided, single submitter. Criteria: ACMG Guidelines, 2015. Collection method: clinical testing. Allele origin: germline.
Comment: This variant deletes 2 nucleotides in exon 7 of the BAP1 gene, creating a frameshift and premature translation stop signal. This variant is expected to result in an absent or non-functional protein product. To our knowledge, this variant has not been reported in individuals affected with hereditary cancer in the literature. This variant has not been identified in the general population by the Genome Aggregation Database (gnomAD). Loss of BAP1 function is a known mechanism of disease. Based on the available evidence, this variant is classified as Pathogenic.

Genetic Services Laboratory, University of Chicago
Classification: Likely pathogenic. Last evaluated: 2020-01-17. Review status: criteria provided, single submitter. Criteria: ACMG Guidelines, 2015. Collection method: clinical testing. Allele origin: germline. Affected: yes.
Comment: DNA sequence analysis of the BAP1 gene demonstrated a 2 base pair deletion in exon 7, c.458_459del. This sequence change results in an amino acid frameshift and creates a premature stop codon 6 amino acids downstream of the change, p.Pro153Argfs*7. This sequence change is predicted to result in an abnormal transcript, which may be degraded, or may lead to the production of a truncated BAP1 protein with potentially abnormal function. The c.458_459del sequence change has not been observed in large population databases (ExAC and gnomAD). These collective evidences indicate that this sequence change is likely pathogenic, however functional studies have not been performed to prove this conclusively.

Literature cited by the submitters: PubMed 21874000 (cited by Labcorp Genetics (formerly Invitae), Labcorp); PubMed 23684012 (cited by Labcorp Genetics (formerly Invitae), Labcorp); PubMed 27718540 (cited by 3 submitters); PubMed 30477459 (cited by Labcorp Genetics (formerly Invitae), Labcorp and Quest Diagnostics Nichols Institute San Juan Capistrano); PubMed 30517737 (cited by Ambry Genetics and Quest Diagnostics Nichols Institute San Juan Capistrano); PubMed 30883995 (cited by Ambry Genetics and Quest Diagnostics Nichols Institute San Juan Capistrano).